The following is an entry in ClinVar:

NM_000553.6(WRN):c.1301C>G (p.Thr434Arg)

Gene: WRN (WRN RecQ like helicase; plus strand). Cytogenetic location: 8p12.
Variant type: single nucleotide variant.
Coding change: c.1301C>G on transcript NM_000553.6 (MANE Select); coding-DNA position 1301, C replaced by G.
Protein change: p.Thr434Arg; replaces threonine 434 with arginine.
Molecular consequence: missense variant.
Genome position (GRCh38, 1-based): chr8:31,083,730, C>G. VCF-style: chr8-31083730-C-G. GRCh37 (hg19) VCF-style: chr8-30941246-C-G.
Other names: short protein forms T434R.
Identifiers: ClinVar variation 1418900 (VCV001418900.6), dbSNP rs761035278, ClinGen allele CA370922610.

ClinVar aggregate classification (germline): Uncertain significance. Review status: criteria provided, multiple submitters, no conflicts (2 of 4 stars). 2 submissions from 2 submitters: Uncertain significance (2). Last evaluated 2025-10-14.

Conditions:
Werner syndrome (WRN). Identifiers: Orphanet 902, MedGen C0043119, MONDO:0010196, OMIM 277700.

Allele frequency attached by ClinVar (database versions not stated): TOPMed 0.00001.
gnomAD v4.1: 5 of 1,610,932 alleles (0.00031%); highest among the groups gnomAD compares: Admixed American, 0.0083%; no homozygotes.

Submissions (2):

Labcorp Genetics (formerly Invitae), Labcorp
Classification: Uncertain significance for Werner syndrome. Last evaluated: 2025-10-14. Review status: criteria provided, single submitter. Criteria: Invitae Variant Classification Sherloc (09022015). Collection method: clinical testing. Allele origin: germline.
Comment: This sequence change replaces threonine, which is neutral and polar, with arginine, which is basic and polar, at codon 434 of the WRN protein (p.Thr434Arg). This variant is present in population databases (no rsID available, gnomAD 0.009%). This variant has not been reported in the literature in individuals affected with WRN-related conditions. ClinVar contains an entry for this variant (Variation ID: 1418900). An algorithm developed to predict the effect of missense changes on protein structure and function (PolyPhen-2) suggests that this variant is likely to be tolerated. Algorithms developed to predict the effect of sequence changes on RNA splicing suggest that this variant may disrupt the consensus splice site. In summary, the available evidence is currently insufficient to determine the role of this variant in disease. Therefore, it has been classified as a Variant of Uncertain Significance.

Fulgent Genetics
Classification: Uncertain significance for Werner syndrome. Last evaluated: 2024-06-14. Review status: criteria provided, single submitter. Criteria: ACMG Guidelines, 2015. Collection method: clinical testing. Allele origin: germline.